The following is an entry in ClinVar:

ClinVar aggregate classification (germline): Uncertain significance (1 of 4 stars; one submission).

Conditions:
Sulfite oxidase deficiency due to molybdenum cofactor deficiency type A. Also called: Molybdenum cofactor deficiency, complementation group A; Molybdenum Cofactor Deficiency A. Identifiers: Orphanet 308386, Orphanet 833, MedGen C1854988, MONDO:0009643, OMIM 252150.

Allele frequency attached by ClinVar (database versions not stated): gnomAD exomes 0.00001; ExAC 0.00002; gnomAD 0.00002; TOPMed 0.00002.
gnomAD v4.1: 25 of 1,614,218 alleles (0.0015%); highest among the groups gnomAD compares: Middle Eastern, 0.016%; no homozygotes.

Submission:

Labcorp Genetics (formerly Invitae), Labcorp
Classification: Uncertain significance for Sulfite oxidase deficiency due to molybdenum cofactor deficiency type A. Last evaluated: 2022-07-20. Review status: criteria provided, single submitter. Criteria: Invitae Variant Classification Sherloc (09022015). Collection method: clinical testing. Allele origin: germline.
Comment: This sequence change replaces glutamic acid, which is acidic and polar, with lysine, which is basic and polar, at codon 503 of the MOCS1 protein (p.Glu503Lys). This variant is present in population databases (rs775200963, gnomAD 0.004%). This variant has not been reported in the literature in individuals affected with MOCS1-related conditions. Algorithms developed to predict the effect of missense changes on protein structure and function are either unavailable or do not agree on the potential impact of this missense change (SIFT: "Not Available"; PolyPhen-2: "Benign"; Align-GVGD: "Not Available"). In summary, the available evidence is currently insufficient to determine the role of this variant in disease. Therefore, it has been classified as a Variant of Uncertain Significance.

NM_001358530.2(MOCS1):c.1507G>A (p.Glu503Lys)

Gene: MOCS1 (molybdenum cofactor synthesis 1; minus strand). Cytogenetic location: 6p21.2.
Variant type: single nucleotide variant.
Coding change: c.1507G>A on transcript NM_001358530.2 (MANE Select); coding-DNA position 1507, G replaced by A.
Protein change: p.Glu503Lys; replaces glutamic acid 503 with lysine.
Molecular consequence: missense variant. On other transcripts: 3 prime UTR variant (4), non-coding transcript variant (1).
Genome position (GRCh38, 1-based): chr6:39,906,761, C>T on the plus strand (G>A on the coding strand, the complement: MOCS1 is on the minus strand). VCF-style: chr6-39906761-C-T. GRCh37 (hg19) VCF-style: chr6-39874537-C-T.
Other names: c.*364G>A (NM_001075098.4, NM_001358533.2, NM_001358534.2 and 1 more transcripts); c.1459G>A, p.Glu487Lys (NM_001358529.2); c.1246G>A, p.Glu416Lys (NM_001358531.2); short protein forms E416K, E503K, E487K.
Identifiers: ClinVar variation 2088084 (VCV002088084.1), dbSNP rs775200963, ClinGen allele CA3795936.